The following is an entry in ClinVar:

NM_199420.4(POLQ):c.4288T>A (p.Leu1430Ile)

Gene: POLQ (DNA polymerase theta; minus strand). Cytogenetic location: 3q13.33.
Variant type: single nucleotide variant.
Coding change: c.4288T>A on transcript NM_199420.4 (MANE Select); coding-DNA position 4288, T replaced by A.
Protein change: p.Leu1430Ile; replaces leucine 1430 with isoleucine.
Molecular consequence: missense variant.
Genome position (GRCh38, 1-based): chr3:121,488,643, A>T on the plus strand (T>A on the coding strand, the complement: POLQ is on the minus strand). VCF-style: chr3-121488643-A-T. GRCh37 (hg19) VCF-style: chr3-121207490-A-T.
Other names: short protein forms L1430I.
Identifiers: ClinVar variation 1739396 (VCV001739396.2), dbSNP rs2546786048, ClinGen allele CA354095480.

ClinVar aggregate classification (germline): Uncertain significance (1 of 4 stars; one submission).

Submission:

Ambry Genetics
Classification: Uncertain significance. Last evaluated: 2022-06-20. Review status: criteria provided, single submitter. Criteria: Ambry Variant Classification Scheme 2023. Collection method: clinical testing. Allele origin: germline.
Comment: The p.L1430I variant (also known as c.4288T>A), located in coding exon 16 of the POLQ gene, results from a T to A substitution at nucleotide position 4288. The leucine at codon 1430 is replaced by isoleucine, an amino acid with highly similar properties. This amino acid position is conserved. In addition, this alteration is predicted to be tolerated by in silico analysis. Since supporting evidence is limited at this time, the clinical significance of this alteration remains unclear.